The following is an entry in ClinVar:

NM_002439.5(MSH3):c.3280G>A (p.Glu1094Lys)

Gene: MSH3 (mutS homolog 3; plus strand). Cytogenetic location: 5q14.1.
Variant type: single nucleotide variant.
Coding change: c.3280G>A on transcript NM_002439.5 (MANE Select); coding-DNA position 3280, G replaced by A.
Protein change: p.Glu1094Lys; replaces glutamic acid 1094 with lysine.
Molecular consequence: missense variant.
Genome position (GRCh38, 1-based): chr5:80,873,265, G>A. VCF-style: chr5-80873265-G-A. GRCh37 (hg19) VCF-style: chr5-80169084-G-A.
Other names: short protein forms E1094K.
Identifiers: ClinVar variation 4860353 (VCV004860353.1).

ClinVar aggregate classification (germline): Uncertain significance (1 of 4 stars; one submission).

Conditions:
Hereditary cancer-predisposing syndrome. Also called: Neoplastic Syndromes, Hereditary; Tumor predisposition; Hereditary Cancer Syndrome; Hereditary neoplastic syndrome. Identifiers: Orphanet 140162, MedGen C0027672, MeSH D009386, MONDO:0015356.

Submission:

Ambry Genetics
Classification: Uncertain significance for Hereditary cancer-predisposing syndrome. Last evaluated: 2026-05-16. Review status: criteria provided, single submitter. Criteria: Ambry Variant Classification Scheme 2023. Collection method: clinical testing. Allele origin: germline.
Comment: The p.E1094K variant (also known as c.3280G>A), located in coding exon 23 of the MSH3 gene, results from a G to A substitution at nucleotide position 3280. The glutamic acid at codon 1094 is replaced by lysine, an amino acid with similar properties. This amino acid position is conserved. In addition, this alteration is predicted to be deleterious by in silico analysis. Based on the available evidence, the clinical significance of this variant remains unclear.